The following is an entry in ClinVar:

ClinVar aggregate classification (germline): Pathogenic (1 of 4 stars; one submission).

Conditions:
Breast-ovarian cancer, familial, susceptibility to, 2 (BROVCA2). Also called: BRCA2 Hereditary Breast and Ovarian Cancer. Identifiers: Orphanet 145, MedGen C2675520, MONDO:0012933, OMIM 612555. Disease mechanism: loss of function.

Submission:

Myriad Genetics, Inc.
Classification: Pathogenic for Breast-ovarian cancer, familial, susceptibility to, 2. Last evaluated: 2026-02-03. Review status: criteria provided, single submitter. Criteria: Myriad Autosomal Dominant, Autosomal Recessive and X-Linked Classification Criteria (2023). Collection method: clinical testing. Allele origin: unknown.
Comment: This variant is considered pathogenic. This variant creates a frameshift predicted to result in premature protein truncation.

NM_000059.4(BRCA2):c.147del (p.Glu49fs)

Gene: BRCA2 (BRCA2 DNA repair associated; plus strand). Cytogenetic location: 13q13.1.
Variant type: Deletion.
Coding change: c.147del on transcript NM_000059.4 (MANE Select); coding-DNA position 147, one base deleted (A; older notation c.147delA).
Protein change: p.Glu49fs; shifts the reading frame from glutamic acid 49.
Molecular consequence: frameshift variant. On other transcripts: 5 prime UTR variant (1), non-coding transcript variant (1).
Genome position (GRCh38, 1-based): chr13:32,319,156, A deleted; the last of 2 consecutive A bases (chr13:32,319,155-32,319,156); deleting either gives the same sequence. VCF-style (leftmost placement, unchanged base first): chr13-32319154-GA-G. GRCh37 (hg19) VCF-style: chr13-32893291-GA-G.
Other names: c.147del, p.Glu49fs (NM_001406719.1, NM_001406720.1, NM_001406721.1 and 1 more transcripts); c.-223del (NM_001406722.1); short protein forms E49fs.
Identifiers: ClinVar variation 4856734 (VCV004856734.1).